The following is an entry in ClinVar:

NM_004360.5(CDH1):c.2185C>G (p.Leu729Val)

Gene: CDH1 (cadherin 1; plus strand). Cytogenetic location: 16q22.1.
Variant type: single nucleotide variant.
Coding change: c.2185C>G on transcript NM_004360.5 (MANE Select); coding-DNA position 2185, C replaced by G.
Protein change: p.Leu729Val; replaces leucine 729 with valine.
Molecular consequence: missense variant.
Genome position (GRCh38, 1-based): chr16:68,828,194, C>G. VCF-style: chr16-68828194-C-G. GRCh37 (hg19) VCF-style: chr16-68862097-C-G.
Other names: c.2002C>G, p.Leu668Val (NM_001317184.2); c.637C>G, p.Leu213Val (NM_001317185.2); c.220C>G, p.Leu74Val (NM_001317186.2); short protein forms L74V, L213V, L729V, L668V.
Identifiers: ClinVar variation 2795801 (VCV002795801.3), dbSNP rs2152141393, ClinGen allele CA396469362.

ClinVar aggregate classification (germline): Uncertain significance (1 of 4 stars; one submission).

Conditions:
Hereditary diffuse gastric adenocarcinoma (HDGC). Also called: DIFFUSE GASTRIC AND LOBULAR BREAST CANCER SYNDROME. Identifiers: Orphanet 26106, MedGen C1708349, MONDO:0007648, OMIM 137215.

Submission:

Labcorp Genetics (formerly Invitae), Labcorp
Classification: Uncertain significance for Hereditary diffuse gastric adenocarcinoma. Last evaluated: 2023-01-08. Review status: criteria provided, single submitter. Criteria: Invitae Variant Classification Sherloc (09022015). Collection method: clinical testing. Allele origin: germline.
Comment: In summary, the available evidence is currently insufficient to determine the role of this variant in disease. Therefore, it has been classified as a Variant of Uncertain Significance. Algorithms developed to predict the effect of missense changes on protein structure and function are either unavailable or do not agree on the potential impact of this missense change (SIFT: "Deleterious"; PolyPhen-2: "Probably Damaging"; Align-GVGD: "Class C0"). This variant has not been reported in the literature in individuals affected with CDH1-related conditions. This variant is not present in population databases (gnomAD no frequency). This sequence change replaces leucine, which is neutral and non-polar, with valine, which is neutral and non-polar, at codon 729 of the CDH1 protein (p.Leu729Val).